The following is an entry in ClinVar:

ClinVar aggregate classification (germline): Uncertain significance (1 of 4 stars; one submission).

Conditions:
Werner syndrome (WRN). Identifiers: Orphanet 902, MedGen C0043119, MONDO:0010196, OMIM 277700.

Allele frequency attached by ClinVar (database versions not stated): gnomAD exomes below 0.00001.
gnomAD v4.1: 1 of 1,608,740 alleles (0.000062%); highest among the groups gnomAD compares: Non-Finnish European, 0.000085%; no homozygotes.

Submission:

Labcorp Genetics (formerly Invitae), Labcorp
Classification: Uncertain significance for Werner syndrome. Last evaluated: 2023-07-07. Review status: criteria provided, single submitter. Criteria: Invitae Variant Classification Sherloc (09022015). Collection method: clinical testing. Allele origin: germline.
Comment: This variant is not present in population databases (gnomAD no frequency). This sequence change affects codon 230 of the WRN mRNA. It is a 'silent' change, meaning that it does not change the encoded amino acid sequence of the WRN protein. This variant has not been reported in the literature in individuals affected with WRN-related conditions. In summary, the available evidence is currently insufficient to determine the role of this variant in disease. Therefore, it has been classified as a Variant of Uncertain Significance. Studies have shown that this variant is associated with altered splicing resulting in multiple RNA products (Invitae).

NM_000553.6(WRN):c.690G>A (p.Leu230=)

Gene: WRN (WRN RecQ like helicase; plus strand). Cytogenetic location: 8p12.
Variant type: single nucleotide variant.
Coding change: c.690G>A on transcript NM_000553.6 (MANE Select); coding-DNA position 690, G replaced by A.
Protein change: p.Leu230=; no amino-acid change (leucine 230 retained).
Molecular consequence: synonymous variant.
Genome position (GRCh38, 1-based): chr8:31,068,293, G>A. VCF-style: chr8-31068293-G-A. GRCh37 (hg19) VCF-style: chr8-30925809-G-A.
Identifiers: ClinVar variation 2736879 (VCV002736879.3), dbSNP rs2130056605, ClinGen allele CA460221905.